The following is an entry in ClinVar:

NM_001696.4(ATP6V1E1):c.403C>T (p.Arg135Cys)

Gene: ATP6V1E1 (ATPase H+ transporting V1 subunit E1; minus strand). Cytogenetic location: 22q11.21.
Variant type: single nucleotide variant.
Coding change: c.403C>T on transcript NM_001696.4 (MANE Select); coding-DNA position 403, C replaced by T.
Protein change: p.Arg135Cys; replaces arginine 135 with cysteine.
Molecular consequence: missense variant.
Genome position (GRCh38, 1-based): chr22:17,600,059, G>A on the plus strand (C>T on the coding strand, the complement: ATP6V1E1 is on the minus strand). VCF-style: chr22-17600059-G-A. GRCh37 (hg19) VCF-style: chr22-18082825-G-A.
Other names: c.337C>T, p.Arg113Cys (NM_001039366.1); c.313C>T, p.Arg105Cys (NM_001039367.1); short protein forms R105C, R113C, R135C.
Identifiers: ClinVar variation 1307660 (VCV001307660.2), dbSNP rs775186565, ClinGen allele CA10090118.

ClinVar aggregate classification (germline): Uncertain significance (1 of 4 stars; one submission).

Allele frequency attached by ClinVar (database versions not stated): TOPMed 0.00001; gnomAD 0.00002; ExAC 0.00003.
gnomAD v4.1: 62 of 1,613,704 alleles (0.0038%); highest among the groups gnomAD compares: Non-Finnish European, 0.0048%; no homozygotes.

Submission:

GeneDx
Classification: Uncertain significance. Last evaluated: 2019-08-05. Review status: criteria provided, single submitter. Criteria: GeneDx Variant Classification Process June 2021. Collection method: clinical testing. Allele origin: germline. Affected: yes.
Comment: Has not been previously published as pathogenic or benign to our knowledge; Not observed at a significant frequency in large population cohorts (Lek et al., 2016); In silico analysis, which includes protein predictors and evolutionary conservation, supports a deleterious effect